The following is an entry in ClinVar:

NM_001199138.2(NLRC4):c.292T>G (p.Leu98Val)

Gene: NLRC4 (NLR family CARD domain containing 4; minus strand). Cytogenetic location: 2p22.3.
Variant type: single nucleotide variant.
Coding change: c.292T>G on transcript NM_001199138.2 (MANE Select); coding-DNA position 292, T replaced by G.
Protein change: p.Leu98Val; replaces leucine 98 with valine.
Molecular consequence: missense variant. On other transcripts: intron variant (1).
Genome position (GRCh38, 1-based): chr2:32,251,572, A>C on the plus strand (T>G on the coding strand, the complement: NLRC4 is on the minus strand). VCF-style: chr2-32251572-A-C. GRCh37 (hg19) VCF-style: chr2-32476641-A-C.
Other names: c.292T>G, p.Leu98Val (NM_001199139.2, NM_021209.5); c.262+847T>G (NM_001302504.1); short protein forms L98V.
Identifiers: ClinVar variation 2944979 (VCV002944979.4), dbSNP rs1687079149, ClinGen allele CA346516547.

ClinVar aggregate classification (germline): Uncertain significance. Review status: criteria provided, multiple submitters, no conflicts (2 of 4 stars). 2 submissions from 2 submitters: Uncertain significance (2). Last evaluated 2025-12-02.

Conditions:
Periodic fever-infantile enterocolitis-autoinflammatory syndrome. Also called: Autoinflammation with infantile enterocolitis. Identifiers: Orphanet 436166, MedGen C4015067, MONDO:0014472, OMIM 616050.
Familial cold autoinflammatory syndrome 4 (FCAS4). Identifiers: Orphanet 47045, Orphanet 576349, MedGen C4015276, MONDO:0014498, OMIM 616115.
Inborn genetic diseases. Identifiers: MedGen C0950123, MeSH D030342.

Allele frequency attached by ClinVar (database versions not stated): gnomAD 0.00001.
gnomAD v4.1: 1 of 1,607,078 alleles (0.000062%); highest among the groups gnomAD compares: Admixed American, 0.0017%; no homozygotes.

Submissions (2):

Ambry Genetics
Classification: Uncertain significance for Inborn genetic diseases. Last evaluated: 2025-12-02. Review status: criteria provided, single submitter. Criteria: Ambry Variant Classification Scheme 2023. Collection method: clinical testing. Allele origin: germline.

Labcorp Genetics (formerly Invitae), Labcorp
Classification: Uncertain significance for Periodic fever-infantile enterocolitis-autoinflammatory syndrome; Familial cold autoinflammatory syndrome 4. Last evaluated: 2025-07-20. Review status: criteria provided, single submitter. Criteria: Invitae Variant Classification Sherloc (09022015). Collection method: clinical testing. Allele origin: germline.
Comment: This sequence change replaces leucine, which is neutral and non-polar, with valine, which is neutral and non-polar, at codon 98 of the NLRC4 protein (p.Leu98Val). This variant is not present in population databases (gnomAD no frequency). This variant has not been reported in the literature in individuals affected with NLRC4-related conditions. ClinVar contains an entry for this variant (Variation ID: 2944979). Invitae Evidence Modeling of protein sequence and biophysical properties (such as structural, functional, and spatial information, amino acid conservation, physicochemical variation, residue mobility, and thermodynamic stability) indicates that this missense variant is not expected to disrupt NLRC4 protein function with a negative predictive value of 80%. In summary, the available evidence is currently insufficient to determine the role of this variant in disease. Therefore, it has been classified as a Variant of Uncertain Significance.